The following is an entry in ClinVar:

NM_021939.4(FKBP10):c.1546G>A (p.Glu516Lys)

Gene: FKBP10 (FKBP prolyl isomerase 10; plus strand). Cytogenetic location: 17q21.2.
Variant type: single nucleotide variant.
Coding change: c.1546G>A on transcript NM_021939.4 (MANE Select); coding-DNA position 1546, G replaced by A.
Protein change: p.Glu516Lys; replaces glutamic acid 516 with lysine.
Molecular consequence: missense variant.
Genome position (GRCh38, 1-based): chr17:41,821,800, G>A. VCF-style: chr17-41821800-G-A. GRCh37 (hg19) VCF-style: chr17-39978052-G-A.
Other names: p.Glu516Lys; short protein forms E516K.
Identifiers: ClinVar variation 720059 (VCV000720059.18), dbSNP rs76022961, ClinGen allele CA8566672.

ClinVar aggregate classification (germline): Benign/Likely benign. Review status: criteria provided, multiple submitters, no conflicts (2 of 4 stars). 7 submissions from 7 submitters: Benign (5); Likely benign (2). Last evaluated 2026-02-04.

Conditions:
Osteogenesis imperfecta type 11. Also called: OI, TYPE XI; Osteogenesis imperfecta, type XI. Identifiers: Orphanet 666, MedGen C3151218, MONDO:0012592, OMIM 610968.
Bruck syndrome 1 (BRKS1). Also called: ARTHROGRYPOSIS-LIKE DISORDER. Identifiers: Orphanet 1149, Orphanet 2771, MedGen C1850168, MONDO:0009806, OMIM 259450.

Allele frequency attached by ClinVar (database versions not stated): gnomAD exomes 0.00070 and 0.00181; ExAC 0.00229; gnomAD 0.00678 and 0.00741; 1000 Genomes Project 30x 0.00687; 1000 Genomes Project 0.00699; TOPMed 0.00774; ESP Exome Variant Server 0.00800.
gnomAD v4.1: 2,099 of 1,614,106 alleles (0.13%); highest among the groups gnomAD compares: African/African-American, 2.5%; 27 homozygotes.

Submissions (7):

Labcorp Genetics (formerly Invitae), Labcorp
Classification: Benign. Last evaluated: 2026-02-04. Review status: criteria provided, single submitter. Criteria: Invitae Variant Classification Sherloc (09022015). Collection method: clinical testing. Allele origin: germline.

ARUP Laboratories, Molecular Genetics and Genomics, ARUP Laboratories
Classification: Benign. Last evaluated: 2023-10-16. Review status: criteria provided, single submitter. Criteria: ARUP Molecular Germline Variant Investigation Process 2024. Collection method: clinical testing. Allele origin: germline.

Mayo Clinic Laboratories, Mayo Clinic
Classification: Benign. Last evaluated: 2023-08-10. Review status: criteria provided, single submitter. Criteria: ACMG Guidelines, 2015. Collection method: clinical testing. Allele origin: germline. Observed: 3 variant alleles.
Comment: BS1, BS2, BP4

Fulgent Genetics
Classification: Benign for Bruck syndrome 1; Osteogenesis imperfecta type 11. Last evaluated: 2022-03-08. Review status: criteria provided, single submitter. Criteria: ACMG Guidelines, 2015. Collection method: clinical testing. Allele origin: unknown.

GeneDx
Classification: Benign. Last evaluated: 2018-09-07. Review status: criteria provided, single submitter. Criteria: GeneDx Variant Classification Process June 2021. Collection method: clinical testing. Allele origin: germline. Affected: yes.
Comment: This variant is associated with the following publications: (PMID: 27706701)

Illumina Laboratory Services, Illumina
Classification: Likely benign for Osteogenesis imperfecta type 11. Last evaluated: 2017-04-27. Review status: criteria provided, single submitter. Criteria: ICSL Variant Classification Criteria 13 December 2019. Collection method: clinical testing. Allele origin: germline.
Comment: This variant was observed as part of a predisposition screen in an ostensibly healthy population. A literature search was performed for the gene, cDNA change, and amino acid change (where applicable). No publications were found based on this search. Allele frequency data from public databases allowed determination this variant is unlikely to cause disease. Therefore, this variant is classified as likely benign.

Breakthrough Genomics
Classification: Likely benign. Review status: criteria provided, single submitter. Criteria: ACMG Guidelines, 2015. Collection method: not provided. Allele origin: germline. Inheritance: Autosomal recessive inheritance. Affected: yes.